The following is an entry in ClinVar:

ClinVar aggregate classification (germline): Uncertain significance (1 of 4 stars; one submission).

Conditions:
Epilepsy, familial focal, with variable foci 3 (FFEVF3). Identifiers: MedGen C4310708, MONDO:0014925, OMIM 617118.

Allele frequency attached by ClinVar (database versions not stated): ExAC 0.00003; gnomAD exomes 0.00002; gnomAD 0.00003; TOPMed 0.00003.
gnomAD v4.1: 33 of 1,612,872 alleles (0.002%); highest among the groups gnomAD compares: Non-Finnish European, 0.0025%; no homozygotes.

Submission:

Labcorp Genetics (formerly Invitae), Labcorp
Classification: Uncertain significance for Epilepsy, familial focal, with variable foci 3. Last evaluated: 2022-08-28. Review status: criteria provided, single submitter. Criteria: Invitae Variant Classification Sherloc (09022015). Collection method: clinical testing. Allele origin: germline.
Comment: In summary, the available evidence is currently insufficient to determine the role of this variant in disease. Therefore, it has been classified as a Variant of Uncertain Significance. Experimental studies and prediction algorithms are not available or were not evaluated, and the functional significance of this variant is currently unknown. This variant has not been reported in the literature in individuals affected with NPRL3-related conditions. This variant is present in population databases (rs762391387, gnomAD 0.003%). This sequence change replaces threonine, which is neutral and polar, with methionine, which is neutral and non-polar, at codon 535 of the NPRL3 protein (p.Thr535Met).

NM_001077350.3(NPRL3):c.1604C>T (p.Thr535Met)

Gene: NPRL3 (NPR3 like, GATOR1 complex subunit; minus strand). Cytogenetic location: 16p13.3.
Variant type: single nucleotide variant.
Coding change: c.1604C>T on transcript NM_001077350.3 (MANE Select); coding-DNA position 1604, C replaced by T.
Protein change: p.Thr535Met; replaces threonine 535 with methionine.
Molecular consequence: missense variant.
Genome position (GRCh38, 1-based): chr16:86,811, G>A on the plus strand (C>T on the coding strand, the complement: NPRL3 is on the minus strand). VCF-style: chr16-86811-G-A. GRCh37 (hg19) VCF-style: chr16-136810-G-A.
Other names: c.1067C>T, p.Thr356Met (NM_001039476.3); c.1370C>T, p.Thr457Met (NM_001243247.2); c.1529C>T, p.Thr510Met (NM_001243248.2, NM_001243249.2); short protein forms T510M, T356M, T535M, T457M.
Identifiers: ClinVar variation 2043568 (VCV002043568.4), dbSNP rs762391387, ClinGen allele CA7769263.
Genomic context (GRCh38, chr16:86,811, plus strand): 5'-GTGGTCACCACCAGCACGCTGCGGAACTTGTCAAACAGCATGAGCAGCTGGGAGCGCCGC[G>A]TGTTCTCGTTGTACATAATCTCCTCCAGGTGGTGGCGGCCGCGGAAGTAGTGAAGGAGCC-3'
Protein context (NP_001070818.1, residues 525-545): HLEEIMYNEN[Thr535Met]RRSQLLMLFD